The following is an entry in ClinVar:

NC_000006.11:g.(?_44274640)_(44278200_?)del

Gene: AARS2 (alanyl-tRNA synthetase 2, mitochondrial; minus strand). Cytogenetic location: 6p21.1.
Variant type: Deletion.
Identifiers: ClinVar variation 1456685 (VCV001456685.5).

ClinVar aggregate classification (germline): Pathogenic (1 of 4 stars; one submission).

Submission:

Labcorp Genetics (formerly Invitae), Labcorp
Classification: Pathogenic. Last evaluated: 2022-04-07. Review status: criteria provided, single submitter. Criteria: Invitae Variant Classification Sherloc (09022015). Collection method: clinical testing. Allele origin: germline.
Comment: This variant is a gross deletion of the genomic region encompassing exon(s) 5-7 of the AARS2 gene. This deletion is out-of-frame, and is expected to create a premature termination codon and result in an absent or disrupted protein product. Loss-of-function variants in AARS2 are known to be pathogenic (PMID: 24808023, 30285085, 30819764). A similar copy number variant has been observed in individual(s) with combined oxidative phosphorylation deficiency (PMID: 30008475). For these reasons, this variant has been classified as Pathogenic.

Literature cited by the submitters: PubMed 24808023; PubMed 30285085; PubMed 30819764; PubMed 30008475.